The following is an entry in ClinVar:

ClinVar aggregate classification (germline): Benign (3 of 4 stars; one submission).

Conditions:
Hereditary thrombocytopenia and hematologic cancer predisposition syndrome. Identifiers: Orphanet 71290, MedGen CN281654, MONDO:0011071.

Submission:

ClinGen Myeloid Malignancy Variant Curation Expert Panel
Classification: Benign for Hereditary thrombocytopenia and hematologic cancer predisposition syndrome. Last evaluated: 2025-01-15. Review status: reviewed by expert panel. Criteria: ClinGen MyeloMalig ACMG Specifications v2. Collection method: curation. Allele origin: germline. Inheritance: Autosomal dominant inheritance.
Comment: NM_001754.5(RUNX1):c.2529_2530dup is an intronic variant which meets criteria for benign classification. It has a MAF of 0.07635 (7.6%, 2892/37880 alleles) in the African/African American subpopulation of the gnomAD vX cohort, which is ≥ 0.0015 (0.15%) (BA1). This variant has been observed in 90 homozygotes in gnomAD v3 (BP2). It also has a SpliceAI score ≤ 0.20 (0.01) (BP4) and evolutionary conservation algorithms predict the site as not being conserved (PhyloP score ≤ 2.0 (-1.16, 0.53)) (BP7). In summary, this variant meets criteria to be classified as benign. ACMG/AMP criteria applied, as specified by the Myeloid Malignancy Variant Curation Expert Panel for RUNX1: BA1, BP2, BP4, BP7.

NM_001754.5(RUNX1):c.*2517TG[8]

Gene: RUNX1 (RUNX family transcription factor 1; minus strand). Cytogenetic location: 21q22.12.
Variant type: Microsatellite.
Coding change: c.*2517TG[8] on transcript NM_001754.5 (MANE Select); eight copies in a row of the 2-base unit TG starting at c.*2517; the reference has seven copies in a row; one copy, 2 bases duplicated.
Molecular consequence: 3 prime UTR variant.
Genome position (GRCh38, 1-based): chr21:34,789,605-34,789,606, CA duplicated on the plus strand (TG on the coding strand, the reverse complement: RUNX1 is on the minus strand); duplicating any 2 consecutive bases within chr21:34,789,605-34,789,618 gives the same sequence; the position shown is the placement nearest the transcript's 3' end. VCF-style (leftmost placement, unchanged base first): chr21-34789604-G-GCA. GRCh37 (hg19) VCF-style: chr21-36161901-G-GCA.
Other names: c.*2517TG[8] (NM_001001890.3).
Identifiers: ClinVar variation 339829 (VCV000339829.7), dbSNP rs139307340, ClinGen allele CA10652914.